The following is an entry in ClinVar:

ClinVar aggregate classification (germline): Conflicting classifications of pathogenicity. Review status: criteria provided, conflicting classifications (1 of 4 stars). 2 submissions from 2 submitters: Uncertain significance (1); Likely benign (1). Last evaluated 2025-08-11.

Conditions:
Hereditary cancer-predisposing syndrome. Also called: Tumor predisposition; Hereditary neoplastic syndrome; Neoplastic Syndromes, Hereditary; Hereditary Cancer Syndrome. Identifiers: Orphanet 140162, MedGen C0027672, MeSH D009386, MONDO:0015356.

Submissions (2):

Ambry Genetics
Classification: Uncertain significance for Hereditary cancer-predisposing syndrome. Last evaluated: 2025-08-11. Review status: criteria provided, single submitter. Criteria: Ambry Variant Classification Scheme 2023. Collection method: clinical testing. Allele origin: germline.
Comment: The p.K385R variant (also known as c.1154A>G), located in coding exon 9 of the BRCA2 gene, results from an A to G substitution at nucleotide position 1154. The lysine at codon 385 is replaced by arginine, an amino acid with highly similar properties. This amino acid position is not well conserved in available vertebrate species. In addition, this alteration is predicted to be tolerated by in silico analysis. Since supporting evidence is limited at this time, the clinical significance of this alteration remains unclear.

University of Washington Department of Laboratory Medicine, University of Washington
Classification: Likely benign for Hereditary cancer-predisposing syndrome. Last evaluated: 2023-03-23. Review status: criteria provided, single submitter. Criteria: Dines et al. (Genet Med. 2020). Collection method: curation. Allele origin: germline.
Comment: Missense variant in a coldspot region where missense variants are very unlikely to be pathogenic (PMID:31911673).

BRCA2 exon 10 coldspot. Reclassification based on statistical prior probability.

NM_000059.4(BRCA2):c.1154A>G (p.Lys385Arg)

Gene: BRCA2 (BRCA2 DNA repair associated; plus strand). Cytogenetic location: 13q13.1.
Variant type: single nucleotide variant.
Coding change: c.1154A>G on transcript NM_000059.4 (MANE Select); coding-DNA position 1154, A replaced by G.
Protein change: p.Lys385Arg; replaces lysine 385 with arginine.
Molecular consequence: missense variant.
Genome position (GRCh38, 1-based): chr13:32,332,632, A>G. VCF-style: chr13-32332632-A-G. GRCh37 (hg19) VCF-style: chr13-32906769-A-G.
Other names: short protein forms K385R.
Identifiers: ClinVar variation 818435 (VCV000818435.7), dbSNP rs1593892070, ClinGen allele CA387761892.